The following is an entry in ClinVar:

ClinVar aggregate classification (germline): Conflicting classifications of pathogenicity. Review status: criteria provided, conflicting classifications (1 of 4 stars). 2 submissions from 2 submitters: Uncertain significance (1); Likely benign (1). Last evaluated 2024-04-08.

Conditions:
Developmental and epileptic encephalopathy, 11 (DEE11). Also called: Early infantile epileptic encephalopathy 11. Identifiers: Orphanet 1934, MedGen C3150987, MONDO:0013388, OMIM 613721.
Seizures, benign familial infantile, 3 (BFIS3). Also called: CONVULSIONS, BENIGN FAMILIAL INFANTILE, 3; Familial neonatal seizures. Identifiers: Orphanet 140927, Orphanet 306, MedGen C1843140, MONDO:0011904, OMIM 607745.

Allele frequency attached by ClinVar (database versions not stated): gnomAD 0.00001; TOPMed 0.00001.
gnomAD v4.1: 2 of 1,613,714 alleles (0.00012%); highest among the groups gnomAD compares: African/African-American, 0.0027%; no homozygotes.

Submissions (2):

Labcorp Genetics (formerly Invitae), Labcorp
Classification: Likely benign for Seizures, benign familial infantile, 3; Developmental and epileptic encephalopathy, 11. Last evaluated: 2024-04-08. Review status: criteria provided, single submitter. Criteria: Invitae Variant Classification Sherloc (09022015). Collection method: clinical testing. Allele origin: germline.

GeneDx
Classification: Uncertain significance. Last evaluated: 2021-11-22. Review status: criteria provided, single submitter. Criteria: GeneDx Variant Classification Process June 2021. Collection method: clinical testing. Allele origin: germline. Affected: yes.
Comment: Not observed at significant frequency in large population cohorts (Lek et al., 2016); Missense variants in this gene are often considered pathogenic (Stenson et al., 2014); In silico analysis supports that this missense variant does not alter protein structure/function; This substitution is predicted to be in the cytoplasmic loop between the first and second homologous domains; Has not been previously published as pathogenic or benign to our knowledge

NM_001040142.2(SCN2A):c.2204T>A (p.Met735Lys)

Gene: SCN2A (sodium voltage-gated channel alpha subunit 2; plus strand). Cytogenetic location: 2q24.3.
Variant type: single nucleotide variant.
Coding change: c.2204T>A on transcript NM_001040142.2 (MANE Select); coding-DNA position 2204, T replaced by A.
Protein change: p.Met735Lys; replaces methionine 735 with lysine.
Molecular consequence: missense variant.
Genome position (GRCh38, 1-based): chr2:165,331,384, T>A. VCF-style: chr2-165331384-T-A. GRCh37 (hg19) VCF-style: chr2-166187894-T-A.
Other names: c.2204T>A, p.Met735Lys (NM_001040143.2, NM_001371246.1, NM_001371247.1 and 1 more transcripts); short protein forms M735K.
Identifiers: ClinVar variation 1326075 (VCV001326075.9), dbSNP rs924845392, ClinGen allele CA59741191.
Genomic context (GRCh38, chr2:165,331,384, plus strand): 5'-TTCCAGAACTTGAAGAATCCAGACAGAAATGCCCACCATGCTGGTATAAATTTGCTAATA[T>A]GTGTTTGATTTGGGACTGTTGTAAACCATGGTTAAAGGTGAAACACCTTGTCAACCTGGT-3'
Protein context (NP_001035232.1, residues 725-745): CPPCWYKFAN[Met735Lys]CLIWDCCKPW